The following is an entry in ClinVar:

ClinVar aggregate classification (germline): Uncertain significance (1 of 4 stars; one submission).

gnomAD v4.1: 5 of 1,614,000 alleles (0.00031%); highest among the groups gnomAD compares: Non-Finnish European, 0.00042%; no homozygotes.

Submission:

Ambry Genetics
Classification: Uncertain significance. Last evaluated: 2024-12-22. Review status: criteria provided, single submitter. Criteria: Ambry Variant Classification Scheme 2023. Collection method: clinical testing. Allele origin: germline.
Comment: The p.Y179N variant (also known as c.535T>A), located in coding exon 6 of the FAM175A gene, results from a T to A substitution at nucleotide position 535. The tyrosine at codon 179 is replaced by asparagine, an amino acid with dissimilar properties. This amino acid position is conserved. In addition, the in silico prediction for this alteration is inconclusive. Based on the available evidence, the clinical significance of this variant remains unclear.

NM_139076.3(ABRAXAS1):c.535T>A (p.Tyr179Asn)

Gene: ABRAXAS1 (abraxas 1, BRCA1 A complex subunit; minus strand). Cytogenetic location: 4q21.23.
Variant type: single nucleotide variant.
Coding change: c.535T>A on transcript NM_139076.3 (MANE Select); coding-DNA position 535, T replaced by A.
Protein change: p.Tyr179Asn; replaces tyrosine 179 with asparagine.
Molecular consequence: missense variant.
Genome position (GRCh38, 1-based): chr4:83,469,093, A>T on the plus strand (T>A on the coding strand, the complement: ABRAXAS1 is on the minus strand). VCF-style: chr4-83469093-A-T. GRCh37 (hg19) VCF-style: chr4-84390246-A-T.
Other names: c.208T>A, p.Tyr70Asn (NM_001345962.2); short protein forms Y179N, Y70N.
Identifiers: ClinVar variation 3798566 (VCV003798566.1).